The following is an entry in ClinVar:

ClinVar aggregate classification (germline): Uncertain significance (1 of 4 stars; one submission).

Conditions:
Inborn genetic diseases. Identifiers: MedGen C0950123, MeSH D030342.

Allele frequency attached by ClinVar (database versions not stated): gnomAD exomes below 0.00001.
gnomAD v4.1: 2 of 1,611,114 alleles (0.00012%); highest among the groups gnomAD compares: Non-Finnish European, 0.000085%; no homozygotes.

Submission:

Ambry Genetics
Classification: Uncertain significance for Inborn genetic diseases. Last evaluated: 2023-12-08. Review status: criteria provided, single submitter. Criteria: Ambry Variant Classification Scheme 2023. Collection method: clinical testing. Allele origin: germline.
Comment: The p.E303D variant (also known as c.909A>C), located in coding exon 8 of the ACD gene, results from an A to C substitution at nucleotide position 909. The glutamic acid at codon 303 is replaced by aspartic acid, an amino acid with highly similar properties. This amino acid position is conserved. In addition, this alteration is predicted to be tolerated by in silico analysis. Since supporting evidence is limited at this time, the clinical significance of this alteration remains unclear.

NM_001082486.2(ACD):c.651A>C (p.Glu217Asp)

Gene: ACD (ACD shelterin complex subunit and telomerase recruitment factor; minus strand). Cytogenetic location: 16q22.1.
Variant type: single nucleotide variant.
Coding change: c.651A>C on transcript NM_001082486.2 (MANE Select); coding-DNA position 651, A replaced by C.
Protein change: p.Glu217Asp; replaces glutamic acid 217 with aspartic acid.
Molecular consequence: missense variant.
Genome position (GRCh38, 1-based): chr16:67,658,811, T>G on the plus strand (A>C on the coding strand, the complement: ACD is on the minus strand). VCF-style: chr16-67658811-T-G. GRCh37 (hg19) VCF-style: chr16-67692714-T-G.
Other names: c.651A>C, p.Glu217Asp (NM_001410884.1); c.642A>C, p.Glu214Asp (NM_022914.3); short protein forms E214D, E217D.
Identifiers: ClinVar variation 3232691 (VCV003232691.1), dbSNP rs2543602600, ClinGen allele CA396353759.